The following is an entry in ClinVar:

NM_032776.3(JMJD1C):c.5224G>A (p.Gly1742Arg)

Gene: JMJD1C (jumonji domain containing 1C; minus strand). Cytogenetic location: 10q21.3.
Variant type: single nucleotide variant.
Coding change: c.5224G>A on transcript NM_032776.3 (MANE Select); coding-DNA position 5224, G replaced by A.
Protein change: p.Gly1742Arg; replaces glycine 1742 with arginine.
Molecular consequence: missense variant.
Genome position (GRCh38, 1-based): chr10:63,200,528, C>T on the plus strand (G>A on the coding strand, the complement: JMJD1C is on the minus strand). VCF-style: chr10-63200528-C-T. GRCh37 (hg19) VCF-style: chr10-64960288-C-T.
Other names: c.4678G>A, p.Gly1560Arg (NM_001282948.2, NM_001318154.2); c.4360G>A, p.Gly1454Arg (NM_001318153.2); c.5110G>A, p.Gly1704Arg (NM_001322252.2); c.4567G>A, p.Gly1523Arg (NM_001322254.2, NM_001322258.2); short protein forms G1523R, G1704R, G1454R, G1560R, G1742R.
Identifiers: ClinVar variation 2724816 (VCV002724816.3), dbSNP rs1845898381, ClinGen allele CA377032933.
Genomic context (GRCh38, chr10:63,200,528, plus strand): 5'-TCACTTACCGTCTAAAGTAGTAAAATCTACAAAATACTGGTGAGTGAGCTGGTTCTTCTC[C>T]TTTTTTACTGCGAATAAGTCTACATTCTCGACACTTTTGTAAATTAGGCCCTATCTCACA-3'
Protein context (NP_116165.1, residues 1732-1752): RECRLIRSKK[Gly1742Arg]EEPAHSPVFC

ClinVar aggregate classification (germline): Uncertain significance (1 of 4 stars; one submission).

Conditions:
Early Myoclonic Encephalopathy. Identifiers: MedGen C0270855.

Allele frequency attached by ClinVar (database versions not stated): gnomAD exomes below 0.00001; TOPMed below 0.00001.
gnomAD v4.1: 2 of 1,613,816 alleles (0.00012%); highest among the groups gnomAD compares: African/African-American, 0.0027%; no homozygotes.

Submission:

Labcorp Genetics (formerly Invitae), Labcorp
Classification: Uncertain significance for Early Myoclonic Encephalopathy. Last evaluated: 2023-10-07. Review status: criteria provided, single submitter. Criteria: Invitae Variant Classification Sherloc (09022015). Collection method: clinical testing. Allele origin: germline.
Comment: This sequence change replaces glycine, which is neutral and non-polar, with arginine, which is basic and polar, at codon 1742 of the JMJD1C protein (p.Gly1742Arg). This variant is not present in population databases (gnomAD no frequency). This variant has not been reported in the literature in individuals affected with JMJD1C-related conditions. Advanced modeling of protein sequence and biophysical properties (such as structural, functional, and spatial information, amino acid conservation, physicochemical variation, residue mobility, and thermodynamic stability) performed at Invitae indicates that this missense variant is expected to disrupt JMJD1C protein function. In summary, the available evidence is currently insufficient to determine the role of this variant in disease. Therefore, it has been classified as a Variant of Uncertain Significance.